The following is an entry in ClinVar:

NM_001903.5(CTNNA1):c.58A>T (p.Ile20Phe)

Gene: CTNNA1 (catenin alpha 1; plus strand). Cytogenetic location: 5q31.2.
Variant type: single nucleotide variant.
Coding change: c.58A>T on transcript NM_001903.5 (MANE Select); coding-DNA position 58, A replaced by T.
Protein change: p.Ile20Phe; replaces isoleucine 20 with phenylalanine.
Molecular consequence: missense variant. On other transcripts: 5 prime UTR variant (2).
Genome position (GRCh38, 1-based): chr5:138,781,982, A>T. VCF-style: chr5-138781982-A-T. GRCh37 (hg19) VCF-style: chr5-138117671-A-T.
Other names: c.58A>T, p.Ile20Phe (NM_001290307.3, NM_001323982.2, NM_001323983.1 and 3 more transcripts); c.-56A>T (NM_001290309.3); c.-149A>T (NM_001290310.3); short protein forms I20F.
Identifiers: ClinVar variation 665290 (VCV000665290.18), dbSNP rs1561520304, ClinGen allele CA361477147.
Genomic context (GRCh38, chr5:138,781,982, plus strand): 5'-GAAATGACTGCTGTCCATGCAGGCAACATAAACTTCAAGTGGGATCCTAAAAGTCTAGAG[A>T]TCAGGACTCTGGCAGTTGAGAGACTGTTGGAGCCTCTTGTTACACAGGTAAGAATCTGAA-3'
Protein context (NP_001894.2, residues 10-30): NFKWDPKSLE[Ile20Phe]RTLAVERLLE

ClinVar aggregate classification (germline): Uncertain significance. Review status: criteria provided, multiple submitters, no conflicts (2 of 4 stars). 4 submissions from 4 submitters: Uncertain significance (4). Last evaluated 2025-12-13.

Conditions:
Hereditary cancer-predisposing syndrome. Also called: Neoplastic Syndromes, Hereditary; Hereditary Cancer Syndrome; Tumor predisposition; Hereditary neoplastic syndrome. Identifiers: Orphanet 140162, MedGen C0027672, MeSH D009386, MONDO:0015356.

Allele frequency attached by ClinVar (database versions not stated): gnomAD exomes below 0.00001.
gnomAD v4.1: 4 of 1,606,874 alleles (0.00025%); highest among the groups gnomAD compares: Non-Finnish European, 0.00025%; no homozygotes.

Submissions (4):

Labcorp Genetics (formerly Invitae), Labcorp
Classification: Uncertain significance. Last evaluated: 2025-12-13. Review status: criteria provided, single submitter. Criteria: Invitae Variant Classification Sherloc (09022015). Collection method: clinical testing. Allele origin: germline.
Comment: This sequence change replaces isoleucine, which is neutral and non-polar, with phenylalanine, which is neutral and non-polar, at codon 20 of the CTNNA1 protein (p.Ile20Phe). This variant is not present in population databases (gnomAD no frequency). This variant has not been reported in the literature in individuals affected with CTNNA1-related conditions. ClinVar contains an entry for this variant (Variation ID: 665290). Invitae Evidence Modeling of protein sequence and biophysical properties (such as structural, functional, and spatial information, amino acid conservation, physicochemical variation, residue mobility, and thermodynamic stability) indicates that this missense variant is not expected to disrupt CTNNA1 protein function with a negative predictive value of 80%. In summary, the available evidence is currently insufficient to determine the role of this variant in disease. Therefore, it has been classified as a Variant of Uncertain Significance.

Ambry Genetics
Classification: Uncertain significance for Hereditary cancer-predisposing syndrome. Last evaluated: 2025-01-27. Review status: criteria provided, single submitter. Criteria: Ambry Variant Classification Scheme 2023. Collection method: clinical testing. Allele origin: germline.
Comment: The p.I20F variant (also known as c.58A>T), located in coding exon 1 of the CTNNA1 gene, results from an A to T substitution at nucleotide position 58. The isoleucine at codon 20 is replaced by phenylalanine, an amino acid with highly similar properties. This amino acid position is highly conserved in available vertebrate species. In addition, this alteration is predicted to be deleterious by in silico analysis. The evidence for this gene-disease relationship is limited; therefore, the clinical significance of this alteration is unclear.

GeneDx
Classification: Uncertain significance. Last evaluated: 2023-08-04. Review status: criteria provided, single submitter. Criteria: GeneDx Variant Classification Process June 2021. Collection method: clinical testing. Allele origin: germline. Affected: yes.
Comment: Not observed at significant frequency in large population cohorts (gnomAD); In silico analysis supports that this missense variant has a deleterious effect on protein structure/function; Observed in individuals referred for hereditary cancer multi-gene panel testing (Clark et al., 2020); This variant is associated with the following publications: (PMID: 32051609)

Blueprint Genetics
Classification: Uncertain significance. Last evaluated: 2019-01-18. Review status: criteria provided, single submitter. Criteria: ACMG Guidelines, 2015. Collection method: clinical testing. Allele origin: germline.